The following is an entry in ClinVar:

NM_001082538.3(TCTN1):c.169C>T (p.Pro57Ser)

Gene: TCTN1 (tectonic family member 1; plus strand). Cytogenetic location: 12q24.11.
Variant type: single nucleotide variant.
Coding change: c.169C>T on transcript NM_001082538.3 (MANE Select); coding-DNA position 169, C replaced by T.
Protein change: p.Pro57Ser; replaces proline 57 with serine.
Molecular consequence: missense variant. On other transcripts: 5 prime UTR variant (4), non-coding transcript variant (1).
Genome position (GRCh38, 1-based): chr12:110,614,351, C>T. VCF-style: chr12-110614351-C-T. GRCh37 (hg19) VCF-style: chr12-111052156-C-T.
Other names: c.169C>T, p.Pro57Ser (NM_001082537.3, NM_001319680.2, NM_024549.6); c.-61C>T (NM_001173975.3, NM_001319682.3); c.-88C>T (NM_001173976.2); c.-539C>T (NM_001319681.2); short protein forms P57S.
Identifiers: ClinVar variation 1516849 (VCV001516849.6), dbSNP rs543518078, ClinGen allele CA6786461.

ClinVar aggregate classification (germline): Uncertain significance (1 of 4 stars; one submission).

Conditions:
Meckel-Gruber syndrome. Also called: DYSENCEPHALIA SPLANCHNOCYSTICA; GRUBER SYNDROME; Dysencephalia splachnocystica. Identifiers: Orphanet 564, MedGen C0265215, MONDO:0018921.
Joubert syndrome. Also called: CEREBELLOPARENCHYMAL DISORDER IV; JOUBERT-BOLTSHAUSER SYNDROME; Familial aplasia of the vermis. Identifiers: Orphanet 475, MedGen C5979921, MONDO:0018772.

Allele frequency attached by ClinVar (database versions not stated): gnomAD exomes below 0.00001 and 0.00001; gnomAD 0.00001; ExAC 0.00002; 1000 Genomes Project 0.00020; 1000 Genomes Project 30x 0.00031.
gnomAD v4.1: 4 of 1,607,138 alleles (0.00025%); highest among the groups gnomAD compares: Admixed American, 0.0017%; no homozygotes.

Submission:

Labcorp Genetics (formerly Invitae), Labcorp
Classification: Uncertain significance for Joubert syndrome; Meckel-Gruber syndrome. Last evaluated: 2025-09-02. Review status: criteria provided, single submitter. Criteria: Invitae Variant Classification Sherloc (09022015). Collection method: clinical testing. Allele origin: germline.
Comment: This sequence change replaces proline, which is neutral and non-polar, with serine, which is neutral and polar, at codon 57 of the TCTN1 protein (p.Pro57Ser). This variant is present in population databases (rs543518078, gnomAD 0.003%). This variant has not been reported in the literature in individuals affected with TCTN1-related conditions. ClinVar contains an entry for this variant (Variation ID: 1516849). Invitae Evidence Modeling of protein sequence and biophysical properties (such as structural, functional, and spatial information, amino acid conservation, physicochemical variation, residue mobility, and thermodynamic stability) indicates that this missense variant is not expected to disrupt TCTN1 protein function with a negative predictive value of 80%. In summary, the available evidence is currently insufficient to determine the role of this variant in disease. Therefore, it has been classified as a Variant of Uncertain Significance.